The following is an entry in ClinVar:

NM_182961.4(SYNE1):c.7523A>T (p.Gln2508Leu)

Gene: SYNE1 (spectrin repeat containing nuclear envelope protein 1; minus strand). Cytogenetic location: 6q25.2.
Variant type: single nucleotide variant.
Coding change: c.7523A>T on transcript NM_182961.4 (MANE Select); coding-DNA position 7523, A replaced by T.
Protein change: p.Gln2508Leu; replaces glutamine 2508 with leucine.
Molecular consequence: missense variant.
Genome position (GRCh38, 1-based): chr6:152,396,808, T>A on the plus strand (A>T on the coding strand, the complement: SYNE1 is on the minus strand). VCF-style: chr6-152396808-T-A. GRCh37 (hg19) VCF-style: chr6-152717943-T-A.
Other names: c.7523A>T (NM_182961.2); c.7544A>T, p.Gln2515Leu (NM_033071.5); short protein forms Q2508L, Q2515L.
Identifiers: ClinVar variation 499048 (VCV000499048.24), dbSNP rs201127061, ClinGen allele CA4057805.

ClinVar aggregate classification (germline): Uncertain significance. Review status: criteria provided, multiple submitters, no conflicts (2 of 4 stars). 5 submissions from 5 submitters: Uncertain significance (5). Last evaluated 2025-01-20.

Conditions:
Emery-Dreifuss muscular dystrophy 4, autosomal dominant (EDMD4). Also called: EMERY-DREIFUSS MUSCULAR DYSTROPHY 4 WITH VARIABLE FEATURES. Identifiers: Orphanet 261, MedGen C2751807, MONDO:0013071, OMIM 612998.
Autosomal recessive ataxia, Beauce type. Also called: SYNE1 Deficiency; Spinocerebellar ataxia, autosomal recessive 8; ATAXIA, RECESSIVE, OF BEAUCE; SYNE1-Related Autosomal Recessive Cerebellar Ataxia. Identifiers: Orphanet 88644, MedGen C1853116, MONDO:0012549, OMIM 610743.

Allele frequency attached by ClinVar (database versions not stated): gnomAD 0.00004 and 0.00005; TOPMed 0.00007; gnomAD exomes 0.00011 and 0.00012; ESP Exome Variant Server 0.00015; ExAC 0.00016.
gnomAD v4.1: 167 of 1,614,102 alleles (0.01%); highest among the groups gnomAD compares: Non-Finnish European, 0.013%; no homozygotes.

Submissions (5):

Athena Diagnostics
Classification: Uncertain significance. Last evaluated: 2025-01-20. Review status: criteria provided, single submitter. Criteria: Athena Diagnostics Criteria. Collection method: clinical testing. Allele origin: unknown.
Comment: Available data are insufficient to determine the clinical significance of the variant at this time. The frequency of this variant in the general population is higher than would generally be expected for pathogenic variants in this gene. Polyphen and MutationTaster predict this amino acid change may be benign.

Revvity Omics, Revvity
Classification: Uncertain significance. Last evaluated: 2025-01-09. Review status: criteria provided, single submitter. Criteria: ACMG Guidelines, 2015. Collection method: clinical testing. Allele origin: germline.

Labcorp Genetics (formerly Invitae), Labcorp
Classification: Uncertain significance for Emery-Dreifuss muscular dystrophy 4, autosomal dominant; Autosomal recessive ataxia, Beauce type. Last evaluated: 2023-06-15. Review status: criteria provided, single submitter. Criteria: Invitae Variant Classification Sherloc (09022015). Collection method: clinical testing. Allele origin: germline.
Comment: This variant is present in population databases (rs201127061, gnomAD 0.02%). This sequence change replaces glutamine, which is neutral and polar, with leucine, which is neutral and non-polar, at codon 2515 of the SYNE1 protein (p.Gln2515Leu). This variant has not been reported in the literature in individuals affected with SYNE1-related conditions. In summary, the available evidence is currently insufficient to determine the role of this variant in disease. Therefore, it has been classified as a Variant of Uncertain Significance. An algorithm developed to predict the effect of missense changes on protein structure and function (PolyPhen-2) suggests that this variant is likely to be tolerated. ClinVar contains an entry for this variant (Variation ID: 499048).

GeneDx
Classification: Uncertain significance. Last evaluated: 2020-04-03. Review status: criteria provided, single submitter. Criteria: GeneDx Variant Classification Process June 2021. Collection method: clinical testing. Allele origin: germline. Affected: yes.
Comment: In silico analysis, which includes protein predictors and evolutionary conservation, supports a deleterious effect; Has not been previously published as pathogenic or benign to our knowledge

Eurofins Ntd Llc (ga)
Classification: Uncertain significance. Last evaluated: 2016-12-27. Review status: criteria provided, single submitter. Criteria: EGL Classification Definitions 2015. Collection method: clinical testing. Allele origin: germline. Observed: 1 variant allele, 1 heterozygote.